The following is an entry in ClinVar:

NM_000286.3(PEX12):c.348dup (p.Ile117fs)

Gene: PEX12 (peroxisomal biogenesis factor 12; minus strand). Cytogenetic location: 17q12.
Variant type: Duplication.
Coding change: c.348dup on transcript NM_000286.3 (MANE Select); coding-DNA position 348, one base duplicated (T; older notation c.348dupT).
Protein change: p.Ile117fs; shifts the reading frame from isoleucine 117.
Molecular consequence: frameshift variant.
Genome position (GRCh38, 1-based): chr17:35,577,370, A duplicated on the plus strand (T on the coding strand, the reverse complement: PEX12 is on the minus strand). VCF-style (leftmost placement, unchanged base first): chr17-35577369-T-TA. GRCh37 (hg19) VCF-style: chr17-33904388-T-TA.
Other names: short protein forms I117fs.
Identifiers: ClinVar variation 1939812 (VCV001939812.5), dbSNP rs2050794694, ClinGen allele CA983271474.

ClinVar aggregate classification (germline): Pathogenic (1 of 4 stars; one submission).

Conditions:
Peroxisome biogenesis disorder 3A (Zellweger). Also called: PEROXISOMAL BIOGENESIS DISORDER 3A (ZELLWEGER); Peroxisome biogenesis disorder 3A. Identifiers: Orphanet 912, MedGen C3553929, MONDO:0013927, OMIM 614859.

Submission:

Labcorp Genetics (formerly Invitae), Labcorp
Classification: Pathogenic for Peroxisome biogenesis disorder 3A (Zellweger). Last evaluated: 2023-10-16. Review status: criteria provided, single submitter. Criteria: Invitae Variant Classification Sherloc (09022015). Collection method: clinical testing. Allele origin: germline.
Comment: This sequence change creates a premature translational stop signal (p.Ile117Tyrfs*20) in the PEX12 gene. It is expected to result in an absent or disrupted protein product. Loss-of-function variants in PEX12 are known to be pathogenic (PMID: 9090384, 9632816, 21031596). This variant is not present in population databases (gnomAD no frequency). This variant has not been reported in the literature in individuals affected with PEX12-related conditions. ClinVar contains an entry for this variant (Variation ID: 1939812). For these reasons, this variant has been classified as Pathogenic.

Literature cited by the submitters: PubMed 9090384; PubMed 9632816; PubMed 21031596.